The following is an entry in ClinVar:

NM_020247.5(COQ8A):c.1879T>C (p.Phe627Leu)

Gene: COQ8A (coenzyme Q8A; plus strand). Cytogenetic location: 1q42.13.
Variant type: single nucleotide variant.
Coding change: c.1879T>C on transcript NM_020247.5 (MANE Select); coding-DNA position 1879, T replaced by C.
Protein change: p.Phe627Leu; replaces phenylalanine 627 with leucine.
Molecular consequence: missense variant.
Genome position (GRCh38, 1-based): chr1:226,986,672, T>C. VCF-style: chr1-226986672-T-C. GRCh37 (hg19) VCF-style: chr1-227174373-T-C.
Other names: short protein forms F627L.
Identifiers: ClinVar variation 1898628 (VCV001898628.5), dbSNP rs768791705, ClinGen allele CA1425698.

ClinVar aggregate classification (germline): Uncertain significance (1 of 4 stars; one submission).

Allele frequency attached by ClinVar (database versions not stated): gnomAD 0.00001; TOPMed 0.00001; ExAC 0.00003; gnomAD exomes 0.00003.
gnomAD v4.1: 16 of 1,613,990 alleles (0.00099%); highest among the groups gnomAD compares: Admixed American, 0.027%; no homozygotes.

Submission:

Labcorp Genetics (formerly Invitae), Labcorp
Classification: Uncertain significance. Last evaluated: 2024-01-04. Review status: criteria provided, single submitter. Criteria: Invitae Variant Classification Sherloc (09022015). Collection method: clinical testing. Allele origin: germline.
Comment: This sequence change replaces phenylalanine, which is neutral and non-polar, with leucine, which is neutral and non-polar, at codon 627 of the COQ8A protein (p.Phe627Leu). This variant is present in population databases (rs768791705, gnomAD 0.05%). This variant has not been reported in the literature in individuals affected with COQ8A-related conditions. ClinVar contains an entry for this variant (Variation ID: 1898628). Advanced modeling of protein sequence and biophysical properties (such as structural, functional, and spatial information, amino acid conservation, physicochemical variation, residue mobility, and thermodynamic stability) performed at Invitae indicates that this missense variant is not expected to disrupt COQ8A protein function with a negative predictive value of 95%. In summary, the available evidence is currently insufficient to determine the role of this variant in disease. Therefore, it has been classified as a Variant of Uncertain Significance.